The following is an entry in ClinVar:

NM_005732.4(RAD50):c.3649dup (p.Leu1217fs)

Genes: TH2LCRR (T helper type 2 locus control region associated RNA; minus strand), RAD50 (RAD50 double strand break repair protein; plus strand), TH2-LCR (Th2 cytokine locus control region; plus strand). Cytogenetic location: 5q31.1.
Variant type: Duplication.
Coding change: c.3649dup on transcript NM_005732.4 (MANE Select); coding-DNA position 3649, one base duplicated (C; older notation c.3649dupC).
Protein change: p.Leu1217fs; shifts the reading frame from leucine 1217.
Molecular consequence: frameshift variant.
Genome position (GRCh38, 1-based): chr5:132,640,702, C duplicated; the last of 3 consecutive C bases (chr5:132,640,700-132,640,702); duplicating any one gives the same sequence. VCF-style (leftmost placement, unchanged base first): chr5-132640699-G-GC. GRCh37 (hg19) VCF-style: chr5-131976391-G-GC.
Other names: c.3649dupC (NM_005732.3); short protein forms L1217fs.
Identifiers: ClinVar variation 1452582 (VCV001452582.7), dbSNP rs2149865588, ClinGen allele CA2573139097.

ClinVar aggregate classification (germline): Pathogenic. Review status: criteria provided, multiple submitters, no conflicts (2 of 4 stars). 2 submissions from 2 submitters: Pathogenic (2). Last evaluated 2025-09-01.

Conditions:
Hereditary cancer-predisposing syndrome. Also called: Tumor predisposition; Neoplastic Syndromes, Hereditary; Hereditary Cancer Syndrome; Hereditary neoplastic syndrome. Identifiers: Orphanet 140162, MedGen C0027672, MeSH D009386, MONDO:0015356.

Submissions (2):

Labcorp Genetics (formerly Invitae), Labcorp
Classification: Pathogenic for Hereditary cancer-predisposing syndrome. Last evaluated: 2025-09-01. Review status: criteria provided, single submitter. Criteria: Invitae Variant Classification Sherloc (09022015). Collection method: clinical testing. Allele origin: germline.
Comment: This sequence change creates a premature translational stop signal (p.Leu1217Profs*3) in the RAD50 gene. It is expected to result in an absent or disrupted protein product. Loss-of-function variants in RAD50 are known to be pathogenic (PMID: 19409520). This variant is not present in population databases (gnomAD no frequency). This variant has not been reported in the literature in individuals affected with RAD50-related conditions. ClinVar contains an entry for this variant (Variation ID: 1452582). For these reasons, this variant has been classified as Pathogenic.

Ambry Genetics
Classification: Pathogenic for Hereditary cancer-predisposing syndrome. Last evaluated: 2023-03-28. Review status: criteria provided, single submitter. Criteria: Ambry Variant Classification Scheme 2023. Collection method: clinical testing. Allele origin: germline.
Comment: The c.3649dupC pathogenic mutation, located in coding exon 24 of the RAD50 gene, results from a duplication of C at nucleotide position 3649, causing a translational frameshift with a predicted alternate stop codon (p.L1217Pfs*3). This variant is considered to be rare based on population cohorts in the Genome Aggregation Database (gnomAD). This alteration is expected to result in loss of function by premature protein truncation or nonsense-mediated mRNA decay. As such, this alteration is interpreted as a disease-causing mutation.

Literature cited by the submitters: PubMed 19409520 (cited by Labcorp Genetics (formerly Invitae), Labcorp).